The following is an entry in ClinVar:

ClinVar aggregate classification (germline): Uncertain significance (1 of 4 stars; one submission).

Conditions:
DICER1-related tumor predisposition. Also called: DICER1 syndrome; DICER1-related pleuropulmonary blastoma cancer predisposition syndrome. Identifiers: Orphanet 284343, MedGen C3839822, MONDO:0100216.

Submission:

Labcorp Genetics (formerly Invitae), Labcorp
Classification: Uncertain significance for DICER1-related tumor predisposition. Last evaluated: 2022-02-19. Review status: criteria provided, single submitter. Criteria: Invitae Variant Classification Sherloc (09022015). Collection method: clinical testing. Allele origin: germline.
Comment: This sequence change replaces glutamic acid, which is acidic and polar, with glycine, which is neutral and non-polar, at codon 1828 of the DICER1 protein (p.Glu1828Gly). This variant is not present in population databases (gnomAD no frequency). This variant has not been reported in the literature in individuals affected with DICER1-related conditions. Algorithms developed to predict the effect of missense changes on protein structure and function are either unavailable or do not agree on the potential impact of this missense change (SIFT: "Deleterious"; PolyPhen-2: "Probably Damaging"; Align-GVGD: "Class C15"). In summary, the available evidence is currently insufficient to determine the role of this variant in disease. Therefore, it has been classified as a Variant of Uncertain Significance.

NM_177438.3(DICER1):c.5483A>G (p.Glu1828Gly)

Gene: DICER1 (dicer 1, ribonuclease III; minus strand). Cytogenetic location: 14q32.13.
Variant type: single nucleotide variant.
Coding change: c.5483A>G on transcript NM_177438.3 (MANE Select); coding-DNA position 5483, A replaced by G.
Protein change: p.Glu1828Gly; replaces glutamic acid 1828 with glycine.
Molecular consequence: missense variant. On other transcripts: intron variant (1), non-coding transcript variant (6).
Genome position (GRCh38, 1-based): chr14:95,091,247, T>C on the plus strand (A>G on the coding strand, the complement: DICER1 is on the minus strand). VCF-style: chr14-95091247-T-C. GRCh37 (hg19) VCF-style: chr14-95557584-T-C.
Other names: c.5365-138A>G (NM_001195573.1); c.5483A>G, p.Glu1828Gly (NM_001395684.1, NM_001395682.1, NM_001395683.1 and 8 more transcripts); c.5201A>G, p.Glu1734Gly (NM_001395686.1); c.5078A>G, p.Glu1693Gly (NM_001395687.1, NM_001395688.1, NM_001395689.1 and 1 more transcripts); c.4916A>G, p.Glu1639Gly (NM_001395691.1); c.3800A>G, p.Glu1267Gly (NM_001395697.1); short protein forms E1734G, E1267G, E1639G, E1693G, E1828G.
Identifiers: ClinVar variation 2099144 (VCV002099144.4), dbSNP rs1889796527, ClinGen allele CA390864553.
Genomic context (GRCh38, chr14:95,091,247, plus strand): 5'-AGGGAGCCAACAATACCTATTAGTGGCCGCATCATGGGATAGTACACCTGCCAGACTGTC[T>C]CCAGTGACATCCCACTATCCATGTAAATGGCACCAGCAAGCGACTCAAAAATATCCCCCA-3'
Protein context (NP_803187.1, residues 1818-1838): AIYMDSGMSL[Glu1828Gly]TVWQVYYPMM